The following is an entry in ClinVar:

ClinVar aggregate classification (germline): Benign/Likely benign. Review status: criteria provided, multiple submitters, no conflicts (2 of 4 stars). 3 submissions from 3 submitters: Benign (1); Likely benign (2). Last evaluated 2025-03-24.

Conditions:
Juvenile polyposis syndrome (JPS). Identifiers: Orphanet 2929, MedGen C0345893, MONDO:0017380, OMIM 174900.
Hereditary cancer-predisposing syndrome. Also called: Hereditary Cancer Syndrome; Neoplastic Syndromes, Hereditary; Hereditary neoplastic syndrome; Tumor predisposition. Identifiers: Orphanet 140162, MedGen C0027672, MeSH D009386, MONDO:0015356.
Familial thoracic aortic aneurysm and aortic dissection (TAAD). Also called: Thoracic aortic aneurysms and dissections. Identifiers: Orphanet 91387, MedGen C4707243, MONDO:0019625.
Juvenile polyposis/hereditary hemorrhagic telangiectasia syndrome (JPHT). Also called: JP/HHT SYNDROME; JUVENILE POLYPOSIS WITH HEREDITARY HEMORRHAGIC TELANGIECTASIA; POLYPOSIS, GENERALIZED JUVENILE, WITH PULMONARY ARTERIOVENOUS MALFORMATION; TELANGIECTASIA, HEREDITARY HEMORRHAGIC, WITH JUVENILE POLYPOSIS COLI; Juvenile Polyposis Syndrome / Hereditary Hemorrhagic Telangiectasia (JPS/HHT). Identifiers: Orphanet 2929, MedGen C1832942, MONDO:0008278, OMIM 175050.

Submissions (3):

Myriad Genetics, Inc.
Classification: Benign for Juvenile polyposis/hereditary hemorrhagic telangiectasia syndrome. Last evaluated: 2025-03-24. Review status: criteria provided, single submitter. Criteria: Myriad Autosomal Dominant, Autosomal Recessive and X-Linked Classification Criteria (2023). Collection method: clinical testing. Allele origin: unknown.
Comment: This variant is considered benign. This variant is a silent/synonymous amino acid change and it is not expected to impact splicing.

Ambry Genetics
Classification: Likely benign for Hereditary cancer-predisposing syndrome; Familial thoracic aortic aneurysm and aortic dissection. Last evaluated: 2023-07-13. Review status: criteria provided, single submitter. Criteria: Ambry Variant Classification Scheme 2023. Collection method: clinical testing. Allele origin: germline.

Labcorp Genetics (formerly Invitae), Labcorp
Classification: Likely benign for Juvenile polyposis syndrome. Last evaluated: 2020-01-14. Review status: criteria provided, single submitter. Criteria: Invitae Variant Classification Sherloc (09022015). Collection method: clinical testing. Allele origin: germline.

NM_005359.6(SMAD4):c.1380C>A (p.Ala460=)

Gene: SMAD4 (SMAD family member 4; plus strand). Cytogenetic location: 18q21.2.
Variant type: single nucleotide variant.
Coding change: c.1380C>A on transcript NM_005359.6 (MANE Select); coding-DNA position 1380, C replaced by A.
Protein change: p.Ala460=; no amino-acid change (alanine 460 retained).
Molecular consequence: synonymous variant.
Genome position (GRCh38, 1-based): chr18:51,076,709, C>A. VCF-style: chr18-51076709-C-A. GRCh37 (hg19) VCF-style: chr18-48603079-C-A.
Other names: c.1380C>A (NM_005359.5).
Identifiers: ClinVar variation 1134555 (VCV001134555.11), dbSNP rs1910480314, ClinGen allele CA503873852.